The following is an entry in ClinVar:

NM_032977.4(CASP10):c.715A>T (p.Ser239Cys)

Gene: CASP10 (caspase 10; plus strand). Cytogenetic location: 2q33.1.
Variant type: single nucleotide variant.
Coding change: c.715A>T on transcript NM_032977.4 (MANE Select); coding-DNA position 715, A replaced by T.
Protein change: p.Ser239Cys; replaces serine 239 with cysteine.
Molecular consequence: missense variant. On other transcripts: intron variant (2).
Genome position (GRCh38, 1-based): chr2:201,203,760, A>T. VCF-style: chr2-201203760-A-T. GRCh37 (hg19) VCF-style: chr2-202068483-A-T.
Other names: c.715A>T, p.Ser239Cys (NM_001206524.2, NM_032974.5, NM_032976.4); c.685-4315A>T (NM_001206542.2, NM_001230.5); short protein forms S239C.
Identifiers: ClinVar variation 467717 (VCV000467717.17), dbSNP rs41473647, ClinGen allele CA2053013.

ClinVar aggregate classification (germline): Likely benign. Review status: criteria provided, multiple submitters, no conflicts (2 of 4 stars). 3 submissions from 3 submitters: Likely benign (2). 1 of the submissions does not count toward it. Last evaluated 2026-01-02.

Conditions:
Autoimmune lymphoproliferative syndrome type 2A (ALPS2A). Also called: Autoimmune lymphoproliferative syndrome type 2; CASP10-Related Autoimmune Lymphoproliferative Syndrome; AUTOIMMUNE LYMPHOPROLIFERATIVE SYNDROME, TYPE IIA. Identifiers: Orphanet 3261, MedGen C1858968, MONDO:0011383, OMIM 603909.
CASP10-related disorder. Also called: CASP10-related condition.

Allele frequency attached by ClinVar (database versions not stated): gnomAD 0.00006; TOPMed 0.00006; ESP Exome Variant Server 0.00031; gnomAD exomes 0.00082; ExAC 0.00089; 1000 Genomes Project 30x 0.00109; 1000 Genomes Project 0.00140.
gnomAD v4.1: 644 of 1,613,142 alleles (0.04%); highest among the groups gnomAD compares: South Asian, 0.54%; 8 homozygotes.

Submissions (3):

Labcorp Genetics (formerly Invitae), Labcorp
Classification: Likely benign for Autoimmune lymphoproliferative syndrome type 2A. Last evaluated: 2026-01-02. Review status: criteria provided, single submitter. Criteria: Invitae Variant Classification Sherloc (09022015). Collection method: clinical testing. Allele origin: germline.

Blueprint Genetics
Classification: Likely benign. Last evaluated: 2024-11-22. Review status: criteria provided, single submitter. Criteria: ACMG Guidelines, 2015. Collection method: clinical testing. Allele origin: germline.

PreventionGenetics, part of Exact Sciences
Classification: Likely benign for CASP10-related condition. Last evaluated: 2021-06-06. Review status: no assertion criteria provided. Collection method: clinical testing. Allele origin: germline. Not counted in ClinVar's aggregate classification.
Comment: This variant is classified as likely benign based on ACMG/AMP sequence variant interpretation guidelines (Richards et al. 2015 PMID: 25741868, with internal and published modifications).